The following is an entry in ClinVar:

ClinVar aggregate classification (germline): Uncertain significance (1 of 4 stars; one submission).

Conditions:
Epidermolysis bullosa simplex with nail dystrophy (EBS5D). Identifiers: MedGen C4225309, MONDO:0014661, OMIM 616487.
Epidermolysis bullosa simplex, Ogna type (EBS5A). Also called: EPIDERMOLYSIS BULLOSA SIMPLEX 5A, OGNA TYPE; Pidermolysis bullosa simplex 5A, Ogna type. Identifiers: Orphanet 79401, MedGen C0432317, MONDO:0007555, OMIM 131950.
Autosomal recessive limb-girdle muscular dystrophy type 2Q (LGMDR17). Also called: MUSCULAR DYSTROPHY, LIMB-GIRDLE, AUTOSOMAL RECESSIVE 17. Identifiers: Orphanet 254361, MedGen C3150989, MONDO:0013390, OMIM 613723.
Epidermolysis bullosa simplex 5B, with muscular dystrophy (EBS5B). Also called: EPIDERMOLYSIS BULLOSA SIMPLEX AND LIMB-GIRDLE MUSCULAR DYSTROPHY; Epidermolysis bullosa simplex with muscular dystrophy. Identifiers: Orphanet 257, MedGen C2931072, MONDO:0009181, OMIM 226670.
Epidermolysis bullosa simplex 5C, with pyloric atresia (EBS5C). Also called: PLEC-Related Epidermolysis Bullosa with Pyloric Atresia; Epidermolysis bullosa simplex with pyloric atresia; PLEC1-Related Epidermolysis Bullosa with Pyloric Atresia. Identifiers: Orphanet 158684, MedGen C2677349, MONDO:0012807, OMIM 612138.

Submission:

Labcorp Genetics (formerly Invitae), Labcorp
Classification: Uncertain significance for Autosomal recessive limb-girdle muscular dystrophy type 2Q; Epidermolysis bullosa simplex, Ogna type; Epidermolysis bullosa simplex with nail dystrophy; Epidermolysis bullosa simplex 5C, with pyloric atresia; Epidermolysis bullosa simplex 5B, with muscular dystrophy. Last evaluated: 2025-03-04. Review status: criteria provided, single submitter. Criteria: Invitae Variant Classification Sherloc (09022015). Collection method: clinical testing. Allele origin: germline.
Comment: This sequence change replaces serine, which is neutral and polar, with cysteine, which is neutral and slightly polar, at codon 4512 of the PLEC protein (p.Ser4512Cys). This variant is not present in population databases (gnomAD no frequency). This variant has not been reported in the literature in individuals affected with PLEC-related conditions. Invitae Evidence Modeling of protein sequence and biophysical properties (such as structural, functional, and spatial information, amino acid conservation, physicochemical variation, residue mobility, and thermodynamic stability) has been performed for this missense variant. However, the output from this modeling did not meet the statistical confidence thresholds required to predict the impact of this variant on PLEC protein function. In summary, the available evidence is currently insufficient to determine the role of this variant in disease. Therefore, it has been classified as a Variant of Uncertain Significance.

NM_201384.3(PLEC):c.13454C>G (p.Ser4485Cys)

Gene: PLEC (plectin; minus strand). Cytogenetic location: 8q24.3.
Variant type: single nucleotide variant.
Coding change: c.13454C>G on transcript NM_201384.3 (MANE Select); coding-DNA position 13454, C replaced by G.
Protein change: p.Ser4485Cys; replaces serine 4485 with cysteine.
Molecular consequence: missense variant.
Genome position (GRCh38, 1-based): chr8:143,916,367, G>C on the plus strand (C>G on the coding strand, the complement: PLEC is on the minus strand). VCF-style: chr8-143916367-G-C. GRCh37 (hg19) VCF-style: chr8-144990535-G-C.
Other names: c.13535C>G, p.Ser4512Cys (NM_000445.5); c.10154C>G, p.Ser3385Cys (NM_001410941.1); c.13412C>G, p.Ser4471Cys (NM_201378.4); c.13388C>G, p.Ser4463Cys (NM_201379.3); c.13865C>G, p.Ser4622Cys (NM_201380.4); c.13358C>G, p.Ser4453Cys (NM_201381.3); c.13454C>G, p.Ser4485Cys (NM_201382.4); c.13466C>G, p.Ser4489Cys (NM_201383.3); short protein forms S4485C, S4489C, S4512C, S3385C, S4453C, S4463C, S4471C, S4622C.
Identifiers: ClinVar variation 4792445 (VCV004792445.1).